The following is an entry in ClinVar:

NM_015272.5(RPGRIP1L):c.3362C>T (p.Pro1121Leu)

Gene: RPGRIP1L (RPGRIP1 like; minus strand). Cytogenetic location: 16q12.2.
Variant type: single nucleotide variant.
Coding change: c.3362C>T on transcript NM_015272.5 (MANE Select); coding-DNA position 3362, C replaced by T.
Protein change: p.Pro1121Leu; replaces proline 1121 with leucine.
Molecular consequence: missense variant. On other transcripts: intron variant (2).
Genome position (GRCh38, 1-based): chr16:53,622,289, G>A on the plus strand (C>T on the coding strand, the complement: RPGRIP1L is on the minus strand). VCF-style: chr16-53622289-G-A. GRCh37 (hg19) VCF-style: chr16-53656201-G-A.
Other names: c.3260C>T, p.Pro1087Leu (NM_001330538.2); c.3193-3081C>T (NM_001127897.4); c.3295-3081C>T (NM_001308334.3); c.3362C>T (NM_015272.4); short protein forms P1121L, P1087L.
Identifiers: ClinVar variation 319650 (VCV000319650.20), dbSNP rs886052093, ClinGen allele CA10647713.
Genomic context (GRCh38, chr16:53,622,289, plus strand): 5'-TGGCAGGCACCTGTAATCCCATCTACTTGGGAGGCTGAGGCAGGAAAATCGCTGGAACCC[G>A]GGAGGCGGAAGTTGCAGTGAGCTGAGATCGCGCTACTGCACCCCAGCCCGGGAGACAATG-3'
Protein context (NP_056087.2, residues 1111-1131): AISAHCNFRL[Pro1121Leu]GSSDFPASAS

ClinVar aggregate classification (germline): Uncertain significance. Review status: criteria provided, multiple submitters, no conflicts (2 of 4 stars). 3 submissions from 3 submitters: Uncertain significance (3). Last evaluated 2026-04-13.

Conditions:
RPGRIP1L-related disorder. Also called: RPGRIP1L-related disorders; RPGRIP1L-related condition. Identifiers: MedGen CN239416.
Joubert syndrome. Also called: Familial aplasia of the vermis; JOUBERT-BOLTSHAUSER SYNDROME. Identifiers: Orphanet 475, MedGen C5979921, MONDO:0018772.
Meckel-Gruber syndrome. Also called: DYSENCEPHALIA SPLANCHNOCYSTICA; GRUBER SYNDROME; Dysencephalia splachnocystica. Identifiers: Orphanet 564, MedGen C0265215, MONDO:0018921.

Allele frequency attached by ClinVar (database versions not stated): TOPMed 0.00002; gnomAD 0.00003 and 0.00004; gnomAD exomes 0.00003.
gnomAD v4.1: 23 of 656,778 alleles (0.0035%); highest among the groups gnomAD compares: Non-Finnish European, 0.0053%; no homozygotes.

Submissions (3):

PreventionGenetics, part of Exact Sciences
Classification: Uncertain significance for RPGRIP1L-related condition. Last evaluated: 2026-04-13. Review status: criteria provided, single submitter. Criteria: ACMG Guidelines, 2015. Collection method: clinical testing. Allele origin: germline.
Comment: The RPGRIP1L c.3362C>T variant is predicted to result in the amino acid substitution p.Pro1121Leu. To our knowledge, this variant has not been reported in the literature. This variant is reported in 0.0088% of alleles in individuals of Latino descent in gnomAD. At this time, the clinical significance of this variant is uncertain due to the absence of conclusive functional and genetic evidence.

Labcorp Genetics (formerly Invitae), Labcorp
Classification: Uncertain significance for Joubert syndrome; Meckel-Gruber syndrome. Last evaluated: 2024-10-27. Review status: criteria provided, single submitter. Criteria: Invitae Variant Classification Sherloc (09022015). Collection method: clinical testing. Allele origin: germline.
Comment: This sequence change replaces proline, which is neutral and non-polar, with leucine, which is neutral and non-polar, at codon 1121 of the RPGRIP1L protein (p.Pro1121Leu). This variant is present in population databases (no rsID available, gnomAD 0.009%). This variant has not been reported in the literature in individuals affected with RPGRIP1L-related conditions. ClinVar contains an entry for this variant (Variation ID: 319650). An algorithm developed to predict the effect of missense changes on protein structure and function outputs the following: PolyPhen-2: "Possibly Damaging". The leucine amino acid residue is found in multiple mammalian species, which suggests that this missense change does not adversely affect protein function. In summary, the available evidence is currently insufficient to determine the role of this variant in disease. Therefore, it has been classified as a Variant of Uncertain Significance.

Eurofins Ntd Llc (ga)
Classification: Uncertain significance. Last evaluated: 2018-07-05. Review status: criteria provided, single submitter. Criteria: EGL ClinVar v180209 classification definitions. Collection method: clinical testing. Allele origin: germline. Observed: 1 variant allele, 1 heterozygote.